The following is an entry in ClinVar:

NM_002653.5(PITX1):c.139G>T (p.Ala47Ser)

Genes: PITX1-AS1 (PITX1 antisense RNA 1; plus strand), PITX1 (paired like homeodomain 1; minus strand). Cytogenetic location: 5q31.1.
Variant type: single nucleotide variant.
Coding change: c.139G>T on transcript NM_002653.5 (MANE Select); coding-DNA position 139, G replaced by T.
Protein change: p.Ala47Ser; replaces alanine 47 with serine.
Molecular consequence: missense variant.
Genome position (GRCh38, 1-based): chr5:135,033,743, C>A on the plus strand (G>T on the coding strand, the complement: PITX1 is on the minus strand). VCF-style: chr5-135033743-C-A. GRCh37 (hg19) VCF-style: chr5-134369433-C-A.
Other names: short protein forms A47S.
Identifiers: ClinVar variation 1315054 (VCV001315054.4), dbSNP rs780516973, ClinGen allele CA3417714.

ClinVar aggregate classification (germline): Uncertain significance (1 of 4 stars; one submission).

Allele frequency attached by ClinVar (database versions not stated): gnomAD exomes below 0.00001.

Submission:

GeneDx
Classification: Uncertain significance. Last evaluated: 2026-03-05. Review status: criteria provided, single submitter. Criteria: GeneDx Variant Classification Process June 2021. Collection method: clinical testing. Allele origin: germline. Affected: yes.
Comment: Not observed at significant frequency in large population cohorts (gnomAD); In silico analysis suggests that this missense variant does not alter protein structure/function; Has not been previously published as pathogenic or benign to our knowledge